The following is an entry in ClinVar:

ClinVar aggregate classification (germline): Uncertain significance (1 of 4 stars; one submission).

Conditions:
Anophthalmia-microphthalmia syndrome. Also called: Anophthalmia - microphthalmia; Anophthalmia/Microphthalmia. Identifiers: Orphanet 98555, MedGen C5680330, MONDO:0020147.

gnomAD v4.1: 1 of 1,614,126 alleles (0.000062%); highest among the groups gnomAD compares: East Asian, 0.0022%; no homozygotes.

Submission:

Labcorp Genetics (formerly Invitae), Labcorp
Classification: Uncertain significance for Anophthalmia-microphthalmia syndrome. Last evaluated: 2021-05-04. Review status: criteria provided, single submitter. Criteria: Invitae Variant Classification Sherloc (09022015). Collection method: clinical testing. Allele origin: germline.
Comment: This variant is present in population databases (rs748910557, ExAC 0.01%). This variant has not been reported in the literature in individuals with OTX2-related conditions. Algorithms developed to predict the effect of missense changes on protein structure and function are either unavailable or do not agree on the potential impact of this missense change (SIFT: "Deleterious"; PolyPhen-2: "Benign"; Align-GVGD: "Class C55"). In summary, the available evidence is currently insufficient to determine the role of this variant in disease. Therefore, it has been classified as a Variant of Uncertain Significance. This sequence change replaces threonine with serine at codon 193 of the OTX2 protein (p.Thr193Ser). The threonine residue is highly conserved and there is a small physicochemical difference between threonine and serine.

NM_021728.4(OTX2):c.601A>T (p.Thr201Ser)

Gene: OTX2 (orthodenticle homeobox 2; minus strand). Cytogenetic location: 14q22.3.
Variant type: single nucleotide variant.
Coding change: c.601A>T on transcript NM_021728.4 (MANE Select); coding-DNA position 601, A replaced by T.
Protein change: p.Thr201Ser; replaces threonine 201 with serine.
Molecular consequence: missense variant. On other transcripts: non-coding transcript variant (2).
Genome position (GRCh38, 1-based): chr14:56,802,028, T>A on the plus strand (A>T on the coding strand, the complement: OTX2 is on the minus strand). VCF-style: chr14-56802028-T-A. GRCh37 (hg19) VCF-style: chr14-57268746-T-A.
Other names: c.577A>T, p.Thr193Ser (NM_001270523.2, NM_001270524.2, NM_172337.3); c.601A>T, p.Thr201Ser (NM_001270525.2); short protein forms T193S, T201S.
Identifiers: ClinVar variation 1380157 (VCV001380157.8), dbSNP rs748910557, ClinGen allele CA7200451.